The following is an entry in ClinVar:

ClinVar aggregate classification (germline): Uncertain significance (1 of 4 stars; one submission).

Conditions:
Tuberous sclerosis 2 (TSC2). Identifiers: Orphanet 805, MedGen C1860707, MONDO:0013199, OMIM 613254.

Submission:

Labcorp Genetics (formerly Invitae), Labcorp
Classification: Uncertain significance for Tuberous sclerosis 2. Last evaluated: 2022-02-02. Review status: criteria provided, single submitter. Criteria: Invitae Variant Classification Sherloc (09022015). Collection method: clinical testing. Allele origin: germline.
Comment: In summary, the available evidence is currently insufficient to determine the role of this variant in disease. Therefore, it has been classified as a Variant of Uncertain Significance. Algorithms developed to predict the effect of sequence changes on RNA splicing suggest that this variant may disrupt the consensus splice site. Algorithms developed to predict the effect of missense changes on protein structure and function are either unavailable or do not agree on the potential impact of this missense change (SIFT: "Deleterious"; PolyPhen-2: "Probably Damaging"; Align-GVGD: "Class C0"). This variant has not been reported in the literature in individuals affected with TSC2-related conditions. This variant is not present in population databases (gnomAD no frequency). This sequence change replaces serine, which is neutral and polar, with cysteine, which is neutral and slightly polar, at codon 1498 of the TSC2 protein (p.Ser1498Cys).

NM_000548.5(TSC2):c.4492A>T (p.Ser1498Cys)

Gene: TSC2 (TSC complex subunit 2; plus strand). Cytogenetic location: 16p13.3.
Variant type: single nucleotide variant.
Coding change: c.4492A>T on transcript NM_000548.5 (MANE Select); coding-DNA position 4492, A replaced by T.
Protein change: p.Ser1498Cys; replaces serine 1498 with cysteine.
Molecular consequence: missense variant.
Genome position (GRCh38, 1-based): chr16:2,084,714, A>T. VCF-style: chr16-2084714-A-T. GRCh37 (hg19) VCF-style: chr16-2134715-A-T.
Other names: c.4324A>T, p.Ser1442Cys (NM_001318832.2); c.4294A>T, p.Ser1432Cys (NM_001363528.2); c.4360A>T, p.Ser1454Cys (NM_001370404.1); c.4363A>T, p.Ser1455Cys (NM_001370405.1, NM_021055.3); c.4489A>T, p.Ser1497Cys (NM_001406663.1); c.4420A>T, p.Ser1474Cys (NM_001406664.1); c.4414A>T, p.Ser1472Cys (NM_001406665.1); c.4384A>T, p.Ser1462Cys (NM_001406667.1); and 26 more; short protein forms S1027C, S1278C, S1425C, S1454C, S1455C, S1497C, S897C, S1006C.
Identifiers: ClinVar variation 2091922 (VCV002091922.4), dbSNP rs2544291942, ClinGen allele CA394302623.